The following is an entry in ClinVar:

NM_001958.5(EEF1A2):c.953A>G (p.Lys318Arg)

Gene: EEF1A2 (eukaryotic translation elongation factor 1 alpha 2; minus strand). Cytogenetic location: 20q13.33.
Variant type: single nucleotide variant.
Coding change: c.953A>G on transcript NM_001958.5 (MANE Select); coding-DNA position 953, A replaced by G.
Protein change: p.Lys318Arg; replaces lysine 318 with arginine.
Molecular consequence: missense variant.
Genome position (GRCh38, 1-based): chr20:63,490,555, T>C on the plus strand (A>G on the coding strand, the complement: EEF1A2 is on the minus strand). VCF-style: chr20-63490555-T-C. GRCh37 (hg19) VCF-style: chr20-62121908-T-C.
Other names: short protein forms K318R.
Identifiers: ClinVar variation 3664144 (VCV003664144.2).

ClinVar aggregate classification (germline): Uncertain significance (1 of 4 stars; one submission).

Conditions:
Developmental and epileptic encephalopathy, 33 (DEE33). Also called: Epileptic encephalopathy, early infantile, 33. Identifiers: Orphanet 442835, MedGen C4225337, MONDO:0014625, OMIM 616409.

Submission:

Labcorp Genetics (formerly Invitae), Labcorp
Classification: Uncertain significance for Developmental and epileptic encephalopathy, 33. Last evaluated: 2025-06-09. Review status: criteria provided, single submitter. Criteria: Invitae Variant Classification Sherloc (09022015). Collection method: clinical testing. Allele origin: germline.
Comment: This sequence change replaces lysine, which is basic and polar, with arginine, which is basic and polar, at codon 318 of the EEF1A2 protein (p.Lys318Arg). This variant is not present in population databases (gnomAD no frequency). This variant has not been reported in the literature in individuals affected with EEF1A2-related conditions. ClinVar contains an entry for this variant (Variation ID: 3664144). Invitae Evidence Modeling of protein sequence and biophysical properties (such as structural, functional, and spatial information, amino acid conservation, physicochemical variation, residue mobility, and thermodynamic stability) indicates that this missense variant is not expected to disrupt EEF1A2 protein function with a negative predictive value of 80%. Algorithms developed to predict the effect of sequence changes on RNA splicing suggest that this variant may create or strengthen a splice site. In summary, the available evidence is currently insufficient to determine the role of this variant in disease. Therefore, it has been classified as a Variant of Uncertain Significance.